The following is an entry in ClinVar:

NM_006766.5(KAT6A):c.3653C>T (p.Pro1218Leu)

Gene: KAT6A (lysine acetyltransferase 6A; minus strand). Cytogenetic location: 8p11.21.
Variant type: single nucleotide variant.
Coding change: c.3653C>T on transcript NM_006766.5 (MANE Select); coding-DNA position 3653, C replaced by T.
Protein change: p.Pro1218Leu; replaces proline 1218 with leucine.
Molecular consequence: missense variant.
Genome position (GRCh38, 1-based): chr8:41,934,567, G>A on the plus strand (C>T on the coding strand, the complement: KAT6A is on the minus strand). VCF-style: chr8-41934567-G-A. GRCh37 (hg19) VCF-style: chr8-41792085-G-A.
Other names: c.3653C>T (NM_006766.3); short protein forms P1218L.
Identifiers: ClinVar variation 1721704 (VCV001721704.6), dbSNP rs761533593, ClinGen allele CA371068678.
Genomic context (GRCh38, chr8:41,934,567, plus strand): 5'-TCTTCAGCCTCTTCTGCCTCTGCTTGCATCTCCTCCTCCTCCTTCCTCTCCTCGGGTAGG[G>A]GCATGTCTTCTTTTGGCTCAACAGTTTCTTCACTCTCCTGGATCTTGGGTTTACGTCCAG-3'
Protein context (NP_006757.2, residues 1208-1228): EETVEPKEDM[Pro1218Leu]LPEERKEEEE

ClinVar aggregate classification (germline): Uncertain significance. Review status: criteria provided, multiple submitters, no conflicts (2 of 4 stars). 2 submissions from 2 submitters: Uncertain significance (2). Last evaluated 2025-01-20.

Conditions:
Inborn genetic diseases. Identifiers: MedGen C0950123, MeSH D030342.

Submissions (2):

Ambry Genetics
Classification: Uncertain significance for Inborn genetic diseases. Last evaluated: 2025-01-20. Review status: criteria provided, single submitter. Criteria: Ambry Variant Classification Scheme 2023. Collection method: clinical testing. Allele origin: germline.

Labcorp Genetics (formerly Invitae), Labcorp
Classification: Uncertain significance. Last evaluated: 2022-10-16. Review status: criteria provided, single submitter. Criteria: Invitae Variant Classification Sherloc (09022015). Collection method: clinical testing. Allele origin: germline.
Comment: In summary, the available evidence is currently insufficient to determine the role of this variant in disease. Therefore, it has been classified as a Variant of Uncertain Significance. Advanced modeling of protein sequence and biophysical properties (such as structural, functional, and spatial information, amino acid conservation, physicochemical variation, residue mobility, and thermodynamic stability) performed at Invitae indicates that this missense variant is not expected to disrupt KAT6A protein function. This variant has not been reported in the literature in individuals affected with KAT6A-related conditions. This variant is not present in population databases (gnomAD no frequency). This sequence change replaces proline, which is neutral and non-polar, with leucine, which is neutral and non-polar, at codon 1218 of the KAT6A protein (p.Pro1218Leu).